The following is an entry in ClinVar:

NM_001330700.2(TOP2B):c.412A>G (p.Ser138Gly)

Gene: TOP2B (DNA topoisomerase II beta; minus strand). Cytogenetic location: 3p24.2.
Variant type: single nucleotide variant.
Coding change: c.412A>G on transcript NM_001330700.2 (MANE Select); coding-DNA position 412, A replaced by G.
Protein change: p.Ser138Gly; replaces serine 138 with glycine.
Molecular consequence: missense variant.
Genome position (GRCh38, 1-based): chr3:25,638,294, T>C on the plus strand (A>G on the coding strand, the complement: TOP2B is on the minus strand). VCF-style: chr3-25638294-T-C. GRCh37 (hg19) VCF-style: chr3-25679785-T-C.
Other names: c.397A>G, p.Ser133Gly (NM_001068.3); short protein forms S138G, S133G.
Identifiers: ClinVar variation 1520078 (VCV001520078.6), dbSNP rs1196912366, ClinGen allele CA351913438.

ClinVar aggregate classification (germline): Uncertain significance (1 of 4 stars; one submission).

Allele frequency attached by ClinVar (database versions not stated): gnomAD exomes 0.00001; gnomAD 0.00001.
gnomAD v4.1: 9 of 980,150 alleles (0.00092%); highest among the groups gnomAD compares: Middle Eastern, 0.027%; no homozygotes.

Submission:

Labcorp Genetics (formerly Invitae), Labcorp
Classification: Uncertain significance. Last evaluated: 2025-02-06. Review status: criteria provided, single submitter. Criteria: Invitae Variant Classification Sherloc (09022015). Collection method: clinical testing. Allele origin: germline.
Comment: This sequence change replaces serine, which is neutral and polar, with glycine, which is neutral and non-polar, at codon 133 of the TOP2B protein (p.Ser133Gly). The frequency data for this variant in the population databases is considered unreliable, as metrics indicate poor data quality at this position in the gnomAD database. This variant has not been reported in the literature in individuals affected with TOP2B-related conditions. ClinVar contains an entry for this variant (Variation ID: 1520078). An algorithm developed to predict the effect of missense changes on protein structure and function (PolyPhen-2) suggests that this variant is likely to be disruptive. In summary, the available evidence is currently insufficient to determine the role of this variant in disease. Therefore, it has been classified as a Variant of Uncertain Significance.